The following is an entry in ClinVar:

ClinVar aggregate classification (germline): Uncertain significance (1 of 4 stars; one submission).

Allele frequency attached by ClinVar (database versions not stated): gnomAD exomes below 0.00001.
gnomAD v4.1: 2 of 1,614,228 alleles (0.00012%); highest among the groups gnomAD compares: East Asian, 0.0022%; no homozygotes.

Submission:

GeneDx
Classification: Uncertain significance. Last evaluated: 2019-08-22. Review status: criteria provided, single submitter. Criteria: GeneDx Variant Classification Process June 2021. Collection method: clinical testing. Allele origin: germline. Affected: yes.
Comment: Not observed in large population cohorts (Lek et al., 2016); In silico analysis, which includes protein predictors and evolutionary conservation, supports that this variant does not alter protein structure/function; Has not been previously published as pathogenic or benign to our knowledge

NM_138615.3(DHX30):c.3238G>A (p.Val1080Ile)

Gene: DHX30 (DExH-box helicase 30; plus strand). Cytogenetic location: 3p21.31.
Variant type: single nucleotide variant.
Coding change: c.3238G>A on transcript NM_138615.3 (MANE Select); coding-DNA position 3238, G replaced by A.
Protein change: p.Val1080Ile; replaces valine 1080 with isoleucine.
Molecular consequence: missense variant.
Genome position (GRCh38, 1-based): chr3:47,849,676, G>A. VCF-style: chr3-47849676-G-A. GRCh37 (hg19) VCF-style: chr3-47891166-G-A.
Other names: c.3154G>A, p.Val1052Ile (NM_001330990.2); c.3121G>A, p.Val1041Ile (NM_014966.4); short protein forms V1041I, V1052I, V1080I.
Identifiers: ClinVar variation 1308107 (VCV001308107.2), dbSNP rs2107178075, ClinGen allele CA352594753.
Genomic context (GRCh38, chr3:47,849,676, plus strand): 5'-CCTGTGTTCCCTAGGGAGGCCACACGGTTACGGAGCCGATGGCTGACGTATTTCATGGCA[G>A]TCAAGTCCAATGGCAGCGTCTTCGTCCGGGACTCCTCTCAGGTGCACCCGCTAGCTGTGC-3'
Protein context (NP_619520.1, residues 1070-1090): RSRWLTYFMA[Val1080Ile]KSNGSVFVRD